The following is an entry in ClinVar:

NM_001378454.1(ALMS1):c.1642del (p.Thr548fs)

Gene: ALMS1 (ALMS1 centrosome and basal body associated protein; plus strand). Cytogenetic location: 2p13.1.
Variant type: Deletion.
Coding change: c.1642del on transcript NM_001378454.1 (MANE Select); coding-DNA position 1642, one base deleted (A; older notation c.1642delA).
Protein change: p.Thr548fs; shifts the reading frame from threonine 548.
Molecular consequence: frameshift variant.
Genome position (GRCh38, 1-based): chr2:73,448,169, A deleted; the last of 2 consecutive A bases (chr2:73,448,168-73,448,169); deleting either gives the same sequence. VCF-style (leftmost placement, unchanged base first): chr2-73448167-TA-T. GRCh37 (hg19) VCF-style: chr2-73675294-TA-T.
Other names: c.1645del, p.Thr549fs (NM_015120.4); short protein forms T548fs, T549fs.
Identifiers: ClinVar variation 2428835 (VCV002428835.3), dbSNP rs2466091816, ClinGen allele CA2580067869.
Genomic context (GRCh38, chr2:73,448,167, plus strand): 5'-AAACTACTACTGGTCAACACACTGATACTCTCAACCAAAAGACATTAGCAGATACTCATC[TA>T]ACTGAAGAGACTCTGAAAGTCACAGCTATTCCTGAACCAGCTGACCAGAAGACTGCAACA-3'

ClinVar aggregate classification (germline): Pathogenic (1 of 4 stars; one submission).

Submission:

GeneDx
Classification: Pathogenic. Last evaluated: 2022-08-03. Review status: criteria provided, single submitter. Criteria: GeneDx Variant Classification Process June 2021. Collection method: clinical testing. Allele origin: germline. Affected: yes.
Comment: Frameshift variant predicted to result in protein truncation or nonsense mediated decay in a gene for which loss of function is a known mechanism of disease; Not observed at significant frequency in large population cohorts (gnomAD); Has not been previously published as pathogenic or benign to our knowledge; This variant is associated with the following publications: (PMID: 25296579)